The following is an entry in ClinVar:

ClinVar aggregate classification (germline): Uncertain significance (1 of 4 stars; one submission).

Allele frequency attached by ClinVar (database versions not stated): gnomAD exomes 0.00016; gnomAD 0.00023; TOPMed 0.00023; ExAC 0.00026.
gnomAD v4.1: 279 of 1,611,066 alleles (0.017%); highest among the groups gnomAD compares: Admixed American, 0.03%; 1 homozygote.

Submission:

CeGaT Center for Human Genetics Tuebingen
Classification: Uncertain significance. Last evaluated: 2022-04-01. Review status: criteria provided, single submitter. Criteria: CeGaT Center For Human Genetics Tuebingen Variant Classification Criteria Version 2. Collection method: clinical testing. Allele origin: germline. Affected: yes. Observed: 1 variant allele.
Comment: SCUBE3: PP3

NM_152753.4(SCUBE3):c.2821G>A (p.Glu941Lys)

Gene: SCUBE3 (signal peptide, CUB domain and EGF like domain containing 3; plus strand). Cytogenetic location: 6p21.31.
Variant type: single nucleotide variant.
Coding change: c.2821G>A on transcript NM_152753.4 (MANE Select); coding-DNA position 2821, G replaced by A.
Protein change: p.Glu941Lys; replaces glutamic acid 941 with lysine.
Molecular consequence: missense variant.
Genome position (GRCh38, 1-based): chr6:35,246,274, G>A. VCF-style: chr6-35246274-G-A. GRCh37 (hg19) VCF-style: chr6-35214051-G-A.
Other names: c.2818G>A, p.Glu940Lys (NM_001303136.2); short protein forms E940K, E941K.
Identifiers: ClinVar variation 2656509 (VCV002656509.24), dbSNP rs202102896, ClinGen allele CA3769873.